The following is an entry in ClinVar:

ClinVar aggregate classification (germline): Likely benign. Review status: criteria provided, single submitter (1 of 4 stars). 2 submissions from 2 submitters: Likely benign (1). 1 of the submissions does not count toward it. Last evaluated 2024-12-02.

Conditions:
KIDINS220-related disorder. Also called: KIDINS220-related condition.

Allele frequency attached by ClinVar (database versions not stated): 1000 Genomes Project 0.00020; gnomAD 0.00006 and 0.00007; TOPMed 0.00006; 1000 Genomes Project 30x 0.00016; ESP Exome Variant Server 0.00008.
gnomAD v4.1: 100 of 1,562,232 alleles (0.0064%); highest among the groups gnomAD compares: Non-Finnish European, 0.0083%; no homozygotes.

Submissions (2):

Labcorp Genetics (formerly Invitae), Labcorp
Classification: Likely benign. Last evaluated: 2024-12-02. Review status: criteria provided, single submitter. Criteria: Invitae Variant Classification Sherloc (09022015). Collection method: clinical testing. Allele origin: germline.

PreventionGenetics, part of Exact Sciences
Classification: Likely benign for KIDINS220-related condition. Last evaluated: 2024-06-18. Review status: no assertion criteria provided. Collection method: clinical testing. Allele origin: germline. Not counted in ClinVar's aggregate classification.
Comment: This variant is classified as likely benign based on ACMG/AMP sequence variant interpretation guidelines (Richards et al. 2015 PMID: 25741868, with internal and published modifications).

NM_020738.4(KIDINS220):c.109-4C>G

Gene: KIDINS220 (kinase D interacting substrate 220; minus strand). Cytogenetic location: 2p25.1.
Variant type: single nucleotide variant.
Coding change: c.109-4C>G on transcript NM_020738.4 (MANE Select); 4 bases into the intron before coding-DNA position 109, C replaced by G.
Genome position (GRCh38, 1-based): chr2:8,818,797, G>C on the plus strand (C>G on the coding strand, the complement: KIDINS220 is on the minus strand). VCF-style: chr2-8818797-G-C. GRCh37 (hg19) VCF-style: chr2-8958927-G-C.
Other names: c.109-4C>G (NM_001348741.2, NM_001348738.2, NM_001348739.2 and 9 more transcripts); c.-18-4C>G (NM_001348736.2).
Identifiers: ClinVar variation 737893 (VCV000737893.11), dbSNP rs200074000, ClinGen allele CA1520522.